The following is an entry in ClinVar:

ClinVar aggregate classification (germline): Uncertain significance. Review status: criteria provided, multiple submitters, no conflicts (2 of 4 stars). 2 submissions from 2 submitters: Uncertain significance (2). Last evaluated 2026-04-14.

Conditions:
CDH23-related disorder. Also called: CDH23-related condition; CDH23-related disorders.

Allele frequency attached by ClinVar (database versions not stated): TOPMed below 0.00001; gnomAD 0.00001; 1000 Genomes Project 0.00020.
gnomAD v4.1: 39 of 1,611,480 alleles (0.0024%); highest among the groups gnomAD compares: South Asian, 0.0078%; no homozygotes.

Submissions (2):

PreventionGenetics, part of Exact Sciences
Classification: Uncertain significance for CDH23-related condition. Last evaluated: 2026-04-14. Review status: criteria provided, single submitter. Criteria: ACMG Guidelines, 2015. Collection method: clinical testing. Allele origin: germline.
Comment: The CDH23 c.2105G>A variant is predicted to result in the amino acid substitution p.Arg702Gln. To our knowledge, this variant has not been reported in the literature. This variant is reported in 0.0056% of alleles in individuals of East Asian descent in gnomAD. At this time, the clinical significance of this variant is uncertain due to the absence of conclusive functional and genetic evidence.

Labcorp Genetics (formerly Invitae), Labcorp
Classification: Uncertain significance. Last evaluated: 2022-02-02. Review status: criteria provided, single submitter. Criteria: Invitae Variant Classification Sherloc (09022015). Collection method: clinical testing. Allele origin: germline.
Comment: This sequence change replaces arginine, which is basic and polar, with glutamine, which is neutral and polar, at codon 702 of the CDH23 protein (p.Arg702Gln). The frequency data for this variant in the population databases is considered unreliable, as metrics indicate poor data quality at this position in the gnomAD database. This variant has not been reported in the literature in individuals affected with CDH23-related conditions. Algorithms developed to predict the effect of missense changes on protein structure and function are either unavailable or do not agree on the potential impact of this missense change (SIFT: "Deleterious"; PolyPhen-2: "Not Available"; Align-GVGD: "Class C35"). Algorithms developed to predict the effect of sequence changes on RNA splicing suggest that this variant may create or strengthen a splice site. In summary, the available evidence is currently insufficient to determine the role of this variant in disease. Therefore, it has been classified as a Variant of Uncertain Significance.

NM_022124.6(CDH23):c.2105G>A (p.Arg702Gln)

Gene: CDH23 (cadherin related 23; plus strand). Cytogenetic location: 10q22.1.
Variant type: single nucleotide variant.
Coding change: c.2105G>A on transcript NM_022124.6 (MANE Select); coding-DNA position 2105, G replaced by A.
Protein change: p.Arg702Gln; replaces arginine 702 with glutamine.
Molecular consequence: missense variant.
Genome position (GRCh38, 1-based): chr10:71,690,513, G>A. VCF-style: chr10-71690513-G-A. GRCh37 (hg19) VCF-style: chr10-73450270-G-A.
Other names: c.2105G>A (NM_022124.5); c.2105G>A, p.Arg702Gln (NM_001171930.2, NM_001171931.2); short protein forms R702Q.
Identifiers: ClinVar variation 2137919 (VCV002137919.2), dbSNP rs546708250, ClinGen allele CA209438709.